The following is an entry in ClinVar:

ClinVar aggregate classification (germline): Conflicting classifications of pathogenicity. Review status: criteria provided, conflicting classifications (1 of 4 stars). 3 submissions from 3 submitters: Likely pathogenic (2); Uncertain significance (1). Last evaluated 2025-01-01.

Conditions:
POLR1C-related disorder. Also called: POLR1C-related condition; POLR1C-related disorders. Identifiers: MedGen CN239394, MONDO:0700278.

Allele frequency attached by ClinVar (database versions not stated): gnomAD exomes below 0.00001; ExAC 0.00001; gnomAD 0.00001.
gnomAD v4.1: 6 of 1,611,218 alleles (0.00037%); highest among the groups gnomAD compares: Non-Finnish European, 0.00051%; no homozygotes.

Submissions (3):

CeGaT Center for Human Genetics Tuebingen
Classification: Likely pathogenic. Last evaluated: 2025-01-01. Review status: criteria provided, single submitter. Criteria: CeGaT Center For Human Genetics Tuebingen Variant Classification Criteria Version 2. Collection method: clinical testing. Allele origin: germline. Affected: yes. Observed: 1 variant allele.
Comment: POLR1C: PVS1:Strong, PM2

Women's Health and Genetics/Laboratory Corporation of America, LabCorp
Classification: Likely pathogenic for POLR1C-related disorder. Last evaluated: 2022-07-21. Review status: criteria provided, single submitter. Criteria: LabCorp Variant Classification Summary - May 2015. Collection method: clinical testing. Allele origin: germline.
Comment: Variant summary: POLR1C c.922+2T>C is located in a canonical splice-site and is predicted to affect mRNA splicing resulting in a significantly altered protein due to either exon skipping, shortening, or inclusion of intronic material. Several computational tools predict a significant impact on normal splicing: Three predict the variant abolishes a 5' splicing donor site. However, these predictions have yet to be confirmed by functional studies. The variant allele was found at a frequency of 4e-06 in 251486 control chromosomes (gnomAD). To our knowledge, no occurrence of c.922+2T>C in individuals affected with POLR1C-Related Disorders and no experimental evidence demonstrating its impact on protein function have been reported. One clinical diagnostic laboratory has submitted clinical-significance assessments for this variant to ClinVar after 2014 without evidence for independent evaluation, and classified the variant as uncertain significance. Based on the evidence outlined above, the variant was classified as likely pathogenic.

Labcorp Genetics (formerly Invitae), Labcorp
Classification: Uncertain significance. Last evaluated: 2021-12-02. Review status: criteria provided, single submitter. Criteria: Invitae Variant Classification Sherloc (09022015). Collection method: clinical testing. Allele origin: germline.
Comment: In summary, the available evidence is currently insufficient to determine the role of this variant in disease. Therefore, it has been classified as a Variant of Uncertain Significance. This variant disrupts a region of the POLR1C protein in which other variant(s) (p.Thr313Met) have been observed in individuals with POLR1C-related conditions (PMID: 32042905). This suggests that this is a clinically significant region of the protein, and that variants that disrupt it are likely to be disease-causing. Variants that disrupt the consensus splice site are a relatively common cause of aberrant splicing (PMID: 17576681, 9536098). Experimental studies and prediction algorithms are not available or were not evaluated, and the effect of this variant on mRNA splicing is currently unknown. This variant has not been reported in the literature in individuals affected with POLR1C-related conditions. This variant is present in population databases (rs778556895, gnomAD 0.002%). This sequence change affects a donor splice site in intron 8 of the POLR1C gene. While this variant is not anticipated to result in nonsense mediated decay, it likely alters RNA splicing and results in a disrupted protein product.

Literature cited by the submitters: PubMed 32042905 (cited by Labcorp Genetics (formerly Invitae), Labcorp); PubMed 17576681 (cited by Labcorp Genetics (formerly Invitae), Labcorp); PubMed 9536098 (cited by Labcorp Genetics (formerly Invitae), Labcorp).

NM_203290.4(POLR1C):c.922+2T>C

Gene: POLR1C (RNA polymerase I and III subunit C; plus strand). Cytogenetic location: 6p21.1.
Variant type: single nucleotide variant.
Coding change: c.922+2T>C on transcript NM_203290.4 (MANE Select); the canonical splice donor site of the intron after coding-DNA position 922, T replaced by C.
Molecular consequence: splice donor variant.
Genome position (GRCh38, 1-based): chr6:43,521,050, T>C. VCF-style: chr6-43521050-T-C. GRCh37 (hg19) VCF-style: chr6-43488788-T-C.
Other names: c.922+2T>C (NM_001318876.2, NM_001363658.2).
Identifiers: ClinVar variation 1467179 (VCV001467179.22), dbSNP rs778556895, ClinGen allele CA3825621.